The following is an entry in ClinVar:

ClinVar aggregate classification (germline): VUS-high (0 of 4 stars; one submission).

Conditions:
Autosomal recessive nonsyndromic hearing loss 9. Also called: NEUROSENSORY NONSYNDROMIC RECESSIVE DEAFNESS 9; OTOF-Related Hearing Loss; Deafness, autosomal recessive 9; AUDITORY NEUROPATHY, AUTOSOMAL RECESSIVE, 1, TEMPERATURE-SENSITIVE. Identifiers: Orphanet 90636, MedGen C1832828, MONDO:0010986, OMIM 601071.

gnomAD v4.1: 3 of 1,606,764 alleles (0.00019%); highest among the groups gnomAD compares: East Asian, 0.0067%; no homozygotes.

Submission:

Diagnosis and Treatment Center of Genetic Hearing Loss, Eye & ENT Hospital of Fudan University
Classification: VUS-high for Autosomal recessive nonsyndromic hearing loss 9. Last evaluated: 2026-02-04. Review status: no assertion criteria provided. Collection method: clinical testing. Allele origin: germline. Inheritance: Autosomal recessive inheritance. Affected: yes.
Comment: The c.5173T>G missense variant in OTOF has a population frequency of 0.0002 (PM2_Supporting). It was found in trans with pathogenic c.4292T>A (PM3). The phenotype is consistent with auditory neuropathy (PP4). The REVEL score is 0.401.

NM_194248.3(OTOF):c.5173T>G (p.Ser1725Ala)

Genes: OTOF (otoferlin; minus strand), LOC112840921 (BRD4-independent group 4 enhancer GRCh37_chr2:26685720-26686919; plus strand). Cytogenetic location: 2p23.3.
Variant type: single nucleotide variant.
Coding change: c.5173T>G on transcript NM_194248.3 (MANE Select); coding-DNA position 5173, T replaced by G.
Protein change: p.Ser1725Ala; replaces serine 1725 with alanine.
Molecular consequence: missense variant.
Genome position (GRCh38, 1-based): chr2:26,463,502, A>C on the plus strand (T>G on the coding strand, the complement: OTOF is on the minus strand). VCF-style: chr2-26463502-A-C. GRCh37 (hg19) VCF-style: chr2-26686370-A-C.
Other names: c.5173T>G, p.Ser1725Ala (NM_001287489.2); c.2872T>G, p.Ser958Ala (NM_004802.4, NM_194323.3); c.3103T>G, p.Ser1035Ala (NM_194322.3); short protein forms S1035A, S1725A, S958A.
Identifiers: ClinVar variation 4879938 (VCV004879938.1).
Genomic context (GRCh38, chr2:26,463,502, plus strand): 5'-GTGGGCCGGAAGGGAGTAGCGCTGGGCCCCAGGCCGCTCACTTCTTGGGCTTCCGAGGTG[A>C]GATGTCCAGAGGCGTCCCAGGGGCTGGCATGTCCATGGGGAACATGTCCACCCACAGCTC-3'
Protein context (NP_919224.1, residues 1715-1735): MPAPGTPLDI[Ser1725Ala]PRKPKKYELR